The following is an entry in ClinVar:

ClinVar aggregate classification (germline): Benign/Likely benign. Review status: criteria provided, multiple submitters, no conflicts (2 of 4 stars). 5 submissions from 5 submitters: Benign (1); Likely benign (4). Last evaluated 2026-05-13.

Conditions:
Neurofibromatosis, type 1 (NF1). Also called: NEUROFIBROMATOSIS, TYPE I, SOMATIC; Neurofibromatosis, type I; Peripheral type neurofibromatosis; VON RECKLINGHAUSEN DISEASE. Identifiers: Orphanet 636, MedGen C0027831, MONDO:0018975, OMIM 162200. Disease mechanism: loss of function.

Allele frequency attached by ClinVar (database versions not stated): ExAC 0.00009; gnomAD exomes 0.00010 and 0.00038; TOPMed 0.00021; gnomAD 0.00029; ESP Exome Variant Server 0.00038.
gnomAD v4.1: 583 of 1,613,830 alleles (0.036%); highest among the groups gnomAD compares: Non-Finnish European, 0.048%; no homozygotes.

Submissions (5):

Myriad Genetics, Inc.
Classification: Likely benign for Neurofibromatosis, type 1. Last evaluated: 2026-05-13. Review status: criteria provided, single submitter. Criteria: Myriad Autosomal Dominant, Autosomal Recessive and X-Linked Classification Criteria (2023). Collection method: clinical testing. Allele origin: unknown.
Comment: This variant is considered likely benign. This variant is intronic and is not expected to impact mRNA splicing.

Labcorp Genetics (formerly Invitae), Labcorp
Classification: Likely benign for Neurofibromatosis, type 1. Last evaluated: 2026-02-03. Review status: criteria provided, single submitter. Criteria: Invitae Variant Classification Sherloc (09022015). Collection method: clinical testing. Allele origin: germline.

Blueprint Genetics
Classification: Likely benign. Last evaluated: 2024-11-27. Review status: criteria provided, single submitter. Criteria: ACMG Guidelines, 2015. Collection method: clinical testing. Allele origin: germline.

Genome-Nilou Lab
Classification: Benign for Neurofibromatosis, type 1. Last evaluated: 2022-03-15. Review status: criteria provided, single submitter. Criteria: ACMG Guidelines, 2015. Collection method: clinical testing. Allele origin: germline. Affected: no.

GeneDx
Classification: Likely benign. Last evaluated: 2017-02-09. Review status: criteria provided, single submitter. Criteria: GeneDx Variant Classification (06012015). Collection method: clinical testing. Allele origin: germline. Affected: yes.
Comment: This variant is considered likely benign or benign based on one or more of the following criteria: it is a conservative change, it occurs at a poorly conserved position in the protein, it is predicted to be benign by multiple in silico algorithms, and/or has population frequency not consistent with disease.

NM_001042492.3(NF1):c.7322-16A>G

Gene: NF1 (neurofibromin 1; plus strand). Cytogenetic location: 17q11.2.
Variant type: single nucleotide variant.
Coding change: c.7322-16A>G on transcript NM_001042492.3 (MANE Select); 16 bases into the intron before coding-DNA position 7322, A replaced by G.
Molecular consequence: intron variant.
Genome position (GRCh38, 1-based): chr17:31,350,167, A>G. VCF-style: chr17-31350167-A-G. GRCh37 (hg19) VCF-style: chr17-29677185-A-G.
Other names: c.7259-16A>G (NM_000267.4).
Identifiers: ClinVar variation 387752 (VCV000387752.10), dbSNP rs369168102, ClinGen allele CA8487554.